The following is an entry in ClinVar:

ClinVar aggregate classification (germline): Uncertain significance (1 of 4 stars; one submission).

Conditions:
CDKL5 disorder. Identifiers: MedGen CN296942, MONDO:0100039.

Submission:

Centre for Population Genomics, CPG
Classification: Uncertain significance for CDKL5 disorder. Last evaluated: 2024-07-02. Review status: criteria provided, single submitter. Criteria: McKnight et al. (Hum Mutat. 2022). Collection method: curation. Allele origin: germline. Inheritance: X-linked inheritance.
Comment: This variant has been collected from RettBASE and curated to current modified ACMG/AMP criteria. Based on the classification scheme defined by the ClinGen Rett/Angelman-like Expert Panel for Rett/AS-like Disorders Specifications to the ACMG/AMP Variant Interpretation Guidelines VCEP 3.0, this variant is classified as a variant of uncertain significance. At least the following criteria are met: Occurs in the well-characterized ATP binding region of CDKL5 (PM1). This variant is absent from gnomAD (PM2_Supporting).

NM_001323289.2(CDKL5):c.100-9_100-3delinsGCAGA

Gene: CDKL5 (cyclin dependent kinase like 5; plus strand). Cytogenetic location: Xp22.13.
Variant type: Indel.
Coding change: c.100-9_100-3delinsGCAGA on transcript NM_001323289.2 (MANE Select); 9 bases into the intron before coding-DNA position 100 through 3 bases into the intron before coding-DNA position 100, CCCTTGC replaced by GCAGA.
Molecular consequence: intron variant.
Genome position (GRCh38, 1-based): chrX:18,564,468-18,564,474, CCCTTGC replaced by GCAGA. VCF-style: chrX-18564468-CCCTTGC-GCAGA. GRCh37 (hg19) VCF-style: chrX-18582588-CCCTTGC-GCAGA.
Other names: NM_003159.3:c.100-9_100-3delinsGCAGA; c.100-9_100-3delinsGCAGA (NM_003159.3, NM_001037343.2).
Identifiers: ClinVar variation 3343981 (VCV003343981.1).